The following is an entry in ClinVar:

NM_000059.4(BRCA2):c.9611C>G (p.Thr3204Ser)

Gene: BRCA2 (BRCA2 DNA repair associated; plus strand). Cytogenetic location: 13q13.1.
Variant type: single nucleotide variant.
Coding change: c.9611C>G on transcript NM_000059.4 (MANE Select); coding-DNA position 9611, C replaced by G.
Protein change: p.Thr3204Ser; replaces threonine 3204 with serine.
Molecular consequence: missense variant.
Genome position (GRCh38, 1-based): chr13:32,397,007, C>G. VCF-style: chr13-32397007-C-G. GRCh37 (hg19) VCF-style: chr13-32971144-C-G.
Other names: short protein forms T3204S.
Identifiers: ClinVar variation 52874 (VCV000052874.16), dbSNP rs80359232, ClinGen allele CA026233.

ClinVar aggregate classification (germline): Conflicting classifications of pathogenicity. Review status: criteria provided, conflicting classifications (1 of 4 stars). 6 submissions from 6 submitters: Uncertain significance (4); Likely benign (1). 1 of the submissions does not count toward it. Last evaluated 2025-12-12.

Conditions:
Breast and/or ovarian cancer. Identifiers: MedGen CN221562.
Hereditary breast ovarian cancer syndrome. Also called: Hereditary breast and ovarian cancer syndrome; Hereditary breast and ovarian cancer; Hereditary breast and ovarian cancer syndrome (HBOC); Breast and ovarian cancer; Hereditary breast and/or ovarian cancer syndrome; BRCA1- and BRCA2-Associated Hereditary Breast and Ovarian Cancer. Identifiers: Orphanet 145, MedGen C0677776, MeSH D061325, MONDO:0003582. Disease mechanism: loss of function.
Hereditary cancer-predisposing syndrome. Also called: Neoplastic Syndromes, Hereditary; Tumor predisposition; Hereditary neoplastic syndrome; Hereditary Cancer Syndrome. Identifiers: Orphanet 140162, MedGen C0027672, MeSH D009386, MONDO:0015356.
Breast-ovarian cancer, familial, susceptibility to, 2 (BROVCA2). Also called: BRCA2 Hereditary Breast and Ovarian Cancer. Identifiers: Orphanet 145, MedGen C2675520, MONDO:0012933, OMIM 612555. Disease mechanism: loss of function.

Allele frequency attached by ClinVar (database versions not stated): gnomAD exomes below 0.00001; TOPMed below 0.00001; gnomAD 0.00001.

Submissions (6):

Myriad Genetics, Inc.
Classification: Likely benign for Breast-ovarian cancer, familial, susceptibility to, 2. Last evaluated: 2025-12-12. Review status: criteria provided, single submitter. Criteria: Myriad Autosomal Dominant, Autosomal Recessive and X-Linked Classification Criteria (2023). Collection method: clinical testing. Allele origin: unknown.
Comment: This variant is considered likely benign. This variant is strongly associated with less severe personal and family histories of cancer, typical for individuals without pathogenic variants in this gene [PMID: 25085752].

Ambry Genetics
Classification: Uncertain significance for Hereditary cancer-predisposing syndrome. Last evaluated: 2024-09-02. Review status: criteria provided, single submitter. Criteria: Ambry Variant Classification Scheme 2023. Collection method: clinical testing. Allele origin: germline.
Comment: The p.T3204S variant (also known as c.9611C>G), located in coding exon 25 of the BRCA2 gene, results from a C to G substitution at nucleotide position 9611. The threonine at codon 3204 is replaced by serine, an amino acid with similar properties. This amino acid position is not well conserved in available vertebrate species. In addition, this alteration is predicted to be tolerated by in silico analysis. Since supporting evidence is limited at this time, the clinical significance of this alteration remains unclear.

Labcorp Genetics (formerly Invitae), Labcorp
Classification: Uncertain significance for Hereditary breast ovarian cancer syndrome. Last evaluated: 2023-09-01. Review status: criteria provided, single submitter. Criteria: Invitae Variant Classification Sherloc (09022015). Collection method: clinical testing. Allele origin: germline.
Comment: In summary, the available evidence is currently insufficient to determine the role of this variant in disease. Therefore, it has been classified as a Variant of Uncertain Significance. Advanced modeling of protein sequence and biophysical properties (such as structural, functional, and spatial information, amino acid conservation, physicochemical variation, residue mobility, and thermodynamic stability) performed at Invitae indicates that this missense variant is not expected to disrupt BRCA2 protein function. ClinVar contains an entry for this variant (Variation ID: 52874). This variant has not been reported in the literature in individuals affected with BRCA2-related conditions. This variant is present in population databases (rs80359232, gnomAD 0.003%). This sequence change replaces threonine, which is neutral and polar, with serine, which is neutral and polar, at codon 3204 of the BRCA2 protein (p.Thr3204Ser).

CHEO Genetics Diagnostic Laboratory, Children's Hospital of Eastern Ontario
Classification: Uncertain significance for Breast and/or ovarian cancer. Last evaluated: 2022-11-23. Review status: criteria provided, single submitter. Criteria: ACMG Guidelines, 2015. Collection method: clinical testing. Allele origin: germline.

Quest Diagnostics Nichols Institute San Juan Capistrano
Classification: Uncertain significance. Last evaluated: 2017-10-06. Review status: criteria provided, single submitter. Criteria: Quest Diagnostics criteria. Collection method: clinical testing. Allele origin: germline.

Breast Cancer Information Core (BIC) (BRCA2)
Classification: Uncertain significance for Breast-ovarian cancer, familial 2. Last evaluated: 2002-05-29. Review status: no assertion criteria provided. Collection method: clinical testing. Allele origin: germline. Affected: yes. Observed: 2 variant alleles. Not counted in ClinVar's aggregate classification.

Literature cited by the submitters: PubMed 25085752 (cited by Myriad Genetics, Inc.).